The following is an entry in ClinVar:

NM_015512.5(DNAH1):c.7066C>T (p.Arg2356Trp)

Gene: DNAH1 (dynein axonemal heavy chain 1; plus strand). Cytogenetic location: 3p21.1.
Variant type: single nucleotide variant.
Coding change: c.7066C>T on transcript NM_015512.5 (MANE Select); coding-DNA position 7066, C replaced by T.
Protein change: p.Arg2356Trp; replaces arginine 2356 with tryptophan.
Molecular consequence: missense variant.
Genome position (GRCh38, 1-based): chr3:52,375,320, C>T. VCF-style: chr3-52375320-C-T. GRCh37 (hg19) VCF-style: chr3-52409336-C-T.
Other names: short protein forms R2356W.
Identifiers: ClinVar variation 1060963 (VCV001060963.3), dbSNP rs780050981, ClinGen allele CA2434745.

ClinVar aggregate classification (germline): Pathogenic (1 of 4 stars; one submission).

Conditions:
Spermatogenic failure 18. Identifiers: MedGen C4539783, MONDO:0054615, OMIM 617576.
Ciliary dyskinesia, primary, 37 (CILD37). Also called: CILIARY DYSKINESIA, PRIMARY, 37, WITH OR WITHOUT SITUS INVERSUS. Identifiers: MedGen C4539798, MONDO:0033204, OMIM 617577.

Allele frequency attached by ClinVar (database versions not stated): gnomAD 0.00001; TOPMed 0.00001; gnomAD exomes 0.00001; ExAC 0.00001.
gnomAD v4.1: 13 of 1,612,984 alleles (0.00081%); highest among the groups gnomAD compares: Admixed American, 0.0017%; no homozygotes.

Submission:

Labcorp Genetics (formerly Invitae), Labcorp
Classification: Pathogenic for Ciliary dyskinesia, primary, 37; Spermatogenic failure 18. Last evaluated: 2025-09-02. Review status: criteria provided, single submitter. Criteria: Invitae Variant Classification Sherloc (09022015). Collection method: clinical testing. Allele origin: germline.
Comment: This sequence change replaces arginine, which is basic and polar, with tryptophan, which is neutral and slightly polar, at codon 2356 of the DNAH1 protein (p.Arg2356Trp). This variant is present in population databases (rs780050981, gnomAD 0.006%). This missense change has been observed in individual(s) with multiple morphological abnormalities of the sperm flagella (PMID: 28577616, 37302001). In at least one individual the data is consistent with being in trans (on the opposite chromosome) from a pathogenic variant. ClinVar contains an entry for this variant (Variation ID: 1060963). Invitae Evidence Modeling of protein sequence and biophysical properties (such as structural, functional, and spatial information, amino acid conservation, physicochemical variation, residue mobility, and thermodynamic stability) indicates that this missense variant is expected to disrupt DNAH1 protein function with a positive predictive value of 80%. For these reasons, this variant has been classified as Pathogenic.

Literature cited by the submitters: PubMed 28577616; PubMed 37302001.